The following is an entry in ClinVar:

ClinVar aggregate classification (germline): Likely benign. Review status: criteria provided, multiple submitters, no conflicts (2 of 4 stars). 3 submissions from 3 submitters: Likely benign (3). Last evaluated 2025-10-17.

Conditions:
Arrhythmogenic right ventricular dysplasia 8 (ARVD8). Also called: Arrhythmogenic Right Ventricular Dysplasia/Cardiomyopathy 8; ARRHYTHMOGENIC RIGHT VENTRICULAR DYSPLASIA, FAMILIAL, 8; ARRHYTHMOGENIC RIGHT VENTRICULAR CARDIOMYOPATHY 8. Identifiers: MedGen C1843896, MONDO:0011831, OMIM 607450.
Arrhythmogenic cardiomyopathy with wooly hair and keratoderma. Also called: PALMOPLANTAR KERATODERMA WITH LEFT VENTRICULAR CARDIOMYOPATHY AND WOOLLY HAIR; Carvajal syndrome; Dilated cardiomyopathy with woolly hair and keratoderma; Arrhythmogenic cardiomyopathy with woolly hair and keratoderma. Identifiers: Orphanet 65282, MedGen C1854063, MONDO:0011581, OMIM 605676.
Cardiomyopathy (CMYO). Also called: Cardiomyopathies. Identifiers: Orphanet 167848, MedGen C0878544, MONDO:0004994, HP:0001638. Inheritance: Various modes of inheritance.

Allele frequency attached by ClinVar (database versions not stated): gnomAD exomes below 0.00001 and 0.00001; TOPMed below 0.00001; gnomAD 0.00001.
gnomAD v4.1: 15 of 1,613,992 alleles (0.00093%); highest among the groups gnomAD compares: African/African-American, 0.0013%; no homozygotes.

Submissions (3):

Labcorp Genetics (formerly Invitae), Labcorp
Classification: Likely benign for Arrhythmogenic cardiomyopathy with wooly hair and keratoderma; Arrhythmogenic right ventricular dysplasia 8. Last evaluated: 2025-10-17. Review status: criteria provided, single submitter. Criteria: Invitae Variant Classification Sherloc (09022015). Collection method: clinical testing. Allele origin: germline.

All of Us Research Program, National Institutes of Health
Classification: Likely benign for Arrhythmogenic cardiomyopathy with wooly hair and keratoderma. Last evaluated: 2024-07-10. Review status: criteria provided, single submitter. Criteria: ACMG Guidelines, 2015. Collection method: clinical testing. Allele origin: germline. Inheritance: Autosomal dominant inheritance. Observed: 4 variant alleles, 4 heterozygotes.
Comment: This study involves interpretation of variants in research participants for the purpose of population health screening. Participant phenotype was not available at the time of variant classification. Additional details can be found in publication PMID: 35346344, PMCID: PMC8962531

Color Diagnostics, LLC DBA Color Health
Classification: Likely benign for Cardiomyopathy. Last evaluated: 2018-12-21. Review status: criteria provided, single submitter. Criteria: ACMG Guidelines, 2015. Collection method: clinical testing. Allele origin: germline.

NM_004415.4(DSP):c.4950C>G (p.Thr1650=)

Gene: DSP (desmoplakin; plus strand). Cytogenetic location: 6p24.3.
Variant type: single nucleotide variant.
Coding change: c.4950C>G on transcript NM_004415.4 (MANE Select); coding-DNA position 4950, C replaced by G.
Protein change: p.Thr1650=; no amino-acid change (threonine 1650 retained).
Molecular consequence: synonymous variant. On other transcripts: intron variant (2).
Genome position (GRCh38, 1-based): chr6:7,581,140, C>G. VCF-style: chr6-7581140-C-G. GRCh37 (hg19) VCF-style: chr6-7581373-C-G.
Other names: c.4050+900C>G (NM_001319034.2); c.3582+1368C>G (NM_001008844.3).
Identifiers: ClinVar variation 922915 (VCV000922915.13), dbSNP rs948524246, ClinGen allele CA133970555.